The following is an entry in ClinVar:

NM_016343.4(CENPF):c.3952G>A (p.Val1318Ile)

Gene: CENPF (centromere protein F; plus strand). Cytogenetic location: 1q41.
Variant type: single nucleotide variant.
Coding change: c.3952G>A on transcript NM_016343.4 (MANE Select); coding-DNA position 3952, G replaced by A.
Protein change: p.Val1318Ile; replaces valine 1318 with isoleucine.
Molecular consequence: missense variant.
Genome position (GRCh38, 1-based): chr1:214,642,290, G>A. VCF-style: chr1-214642290-G-A. GRCh37 (hg19) VCF-style: chr1-214815633-G-A.
Other names: short protein forms V1318I.
Identifiers: ClinVar variation 4810581 (VCV004810581.1).

ClinVar aggregate classification (germline): Uncertain significance (1 of 4 stars; one submission).

gnomAD v4.1: 18 of 1,613,570 alleles (0.0011%); highest among the groups gnomAD compares: Admixed American, 0.022%; no homozygotes.

Submission:

Labcorp Genetics (formerly Invitae), Labcorp
Classification: Uncertain significance. Last evaluated: 2025-10-23. Review status: criteria provided, single submitter. Criteria: Invitae Variant Classification Sherloc (09022015). Collection method: clinical testing. Allele origin: germline.
Comment: This sequence change replaces valine, which is neutral and non-polar, with isoleucine, which is neutral and non-polar, at codon 1318 of the CENPF protein (p.Val1318Ile). This variant is present in population databases (rs760007414, gnomAD 0.03%). This variant has not been reported in the literature in individuals affected with CENPF-related conditions. An algorithm developed to predict the effect of missense changes on protein structure and function outputs the following: PolyPhen-2: "Benign". The isoleucine amino acid residue is found in multiple mammalian species, which suggests that this missense change does not adversely affect protein function. In summary, the available evidence is currently insufficient to determine the role of this variant in disease. Therefore, it has been classified as a Variant of Uncertain Significance.